The following is an entry in ClinVar:

NM_000465.4(BARD1):c.519A>T (p.Ala173=)

Gene: BARD1 (BRCA1 associated RING domain 1; minus strand). Cytogenetic location: 2q35.
Variant type: single nucleotide variant.
Coding change: c.519A>T on transcript NM_000465.4 (MANE Select); coding-DNA position 519, A replaced by T.
Protein change: p.Ala173=; no amino-acid change (alanine 173 retained).
Molecular consequence: synonymous variant. On other transcripts: non-coding transcript variant (2), intron variant (3).
Genome position (GRCh38, 1-based): chr2:214,781,355, T>A on the plus strand (A>T on the coding strand, the complement: BARD1 is on the minus strand). VCF-style: chr2-214781355-T-A. GRCh37 (hg19) VCF-style: chr2-215646079-T-A.
Other names: c.462A>T, p.Ala154= (NM_001282543.2); c.158+28057A>T (NM_001282548.2); c.215+15706A>T (NM_001282545.2); c.364+10942A>T (NM_001282549.2).
Identifiers: ClinVar variation 3378683 (VCV003378683.1).

ClinVar aggregate classification (germline): Benign (1 of 4 stars; one submission).

Conditions:
Familial cancer of breast. Also called: hereditary breast carcinoma; Hereditary breast cancer; BREAST CANCER, FAMILIAL. Identifiers: Orphanet 227535, MedGen C0346153, MONDO:0016419, OMIM 114480. Disease mechanism: loss of function.

Submission:

Myriad Genetics, Inc.
Classification: Benign for Familial cancer of breast. Last evaluated: 2024-07-22. Review status: criteria provided, single submitter. Criteria: Myriad Autosomal Dominant, Autosomal Recessive and X-Linked Classification Criteria (2023). Collection method: clinical testing. Allele origin: unknown.
Comment: This variant is considered benign. This variant is a silent/synonymous amino acid change and it is not expected to impact splicing.